The following is an entry in ClinVar:

NM_004972.4(JAK2):c.2857C>A (p.Leu953Ile)

Genes: JAK2 (Janus kinase 2; plus strand), INSL6 (insulin like 6; minus strand). Cytogenetic location: 9p24.1.
Variant type: single nucleotide variant.
Coding change: c.2857C>A on transcript NM_004972.4 (MANE Select); coding-DNA position 2857, C replaced by A.
Protein change: p.Leu953Ile; replaces leucine 953 with isoleucine.
Molecular consequence: missense variant. On other transcripts: non-coding transcript variant (2).
Genome position (GRCh38, 1-based): chr9:5,090,541, C>A. VCF-style: chr9-5090541-C-A. GRCh37 (hg19) VCF-style: chr9-5090541-C-A.
Other names: c.2857C>A, p.Leu953Ile (NM_001322194.2, NM_001322195.2, NM_001322196.2); c.1642C>A, p.Leu548Ile (NM_001322198.2, NM_001322199.2); c.2410C>A, p.Leu804Ile (NM_001322204.2); short protein forms L953I, L548I, L804I.
Identifiers: ClinVar variation 3707889 (VCV003707889.2).

ClinVar aggregate classification (germline): Uncertain significance (1 of 4 stars; one submission).

gnomAD v4.1: 58 of 1,594,774 alleles (0.0036%); highest among the groups gnomAD compares: Admixed American, 0.0052%; no homozygotes.

Submission:

Labcorp Genetics (formerly Invitae), Labcorp
Classification: Uncertain significance. Last evaluated: 2024-06-30. Review status: criteria provided, single submitter. Criteria: Invitae Variant Classification Sherloc (09022015). Collection method: clinical testing. Allele origin: germline.
Comment: This sequence change replaces leucine, which is neutral and non-polar, with isoleucine, which is neutral and non-polar, at codon 953 of the JAK2 protein (p.Leu953Ile). This variant is present in population databases (rs768850629, gnomAD 0.005%). This variant has not been reported in the literature in individuals affected with JAK2-related conditions. Advanced modeling of protein sequence and biophysical properties (such as structural, functional, and spatial information, amino acid conservation, physicochemical variation, residue mobility, and thermodynamic stability) performed at Invitae indicates that this missense variant is not expected to disrupt JAK2 protein function with a negative predictive value of 80%. In summary, the available evidence is currently insufficient to determine the role of this variant in disease. Therefore, it has been classified as a Variant of Uncertain Significance.